The following is an entry in ClinVar:

ClinVar aggregate classification (germline): Likely benign (1 of 4 stars; one submission).

gnomAD v4.1: 18 of 1,613,574 alleles (0.0011%); highest among the groups gnomAD compares: African/African-American, 0.0027%; no homozygotes.

Submission:

CeGaT Center for Human Genetics Tuebingen
Classification: Likely benign. Last evaluated: 2023-08-01. Review status: criteria provided, single submitter. Criteria: CeGaT Center For Human Genetics Tuebingen Variant Classification Criteria Version 2. Collection method: clinical testing. Allele origin: germline. Affected: yes. Observed: 1 variant allele.
Comment: SPEG: BP4, BP7

NM_005876.5(SPEG):c.6696C>A (p.Pro2232=)

Genes: ASIC4-AS1 (ASIC4 antisense RNA 1; minus strand), SPEG (striated muscle enriched protein kinase; plus strand). Cytogenetic location: 2q35.
Variant type: single nucleotide variant.
Coding change: c.6696C>A on transcript NM_005876.5 (MANE Select); coding-DNA position 6696, C replaced by A.
Protein change: p.Pro2232=; no amino-acid change (proline 2232 retained).
Molecular consequence: synonymous variant.
Genome position (GRCh38, 1-based): chr2:219,484,159, C>A. VCF-style: chr2-219484159-C-A. GRCh37 (hg19) VCF-style: chr2-220348881-C-A.
Identifiers: ClinVar variation 2651926 (VCV002651926.24), dbSNP rs745312329, ClinGen allele CA2127092.
Genomic context (GRCh38, chr2:219,484,159, plus strand): 5'-AGACAAGGCTCCAGAGCCCAGGCCAGAACCAGTCCGAGCCTCCAAGCCTGCACCACCCCC[C>A]CAGGCCCTGCAAACCCTAGCGCTGCCCCTCACACCCTATGCTCAGATCATTCAGTCCCTC-3'
Protein context (NP_005867.3, residues 2222-2242): PVRASKPAPP[Pro2232=]QALQTLALPL